The following is an entry in ClinVar:

ClinVar aggregate classification (germline): Conflicting classifications of pathogenicity. Review status: criteria provided, conflicting classifications (1 of 4 stars). 2 submissions from 2 submitters: Uncertain significance (1); Likely benign (1). Last evaluated 2025-09-01.

Allele frequency attached by ClinVar (database versions not stated): gnomAD exomes 0.00009; ExAC 0.00033; 1000 Genomes Project 30x 0.00094; ESP Exome Variant Server 0.00104; gnomAD 0.00109; 1000 Genomes Project 0.00120; TOPMed 0.00121.
gnomAD v4.1: 295 of 1,604,166 alleles (0.018%); highest among the groups gnomAD compares: African/African-American, 0.36%; no homozygotes.

Submissions (2):

CeGaT Center for Human Genetics Tuebingen
Classification: Likely benign. Last evaluated: 2025-09-01. Review status: criteria provided, single submitter. Criteria: CeGaT Center For Human Genetics Tuebingen Variant Classification Criteria Version 2. Collection method: clinical testing. Allele origin: germline. Affected: yes. Observed: 1 variant allele.
Comment: DOCK3: BP4, BP7

Greenwood Genetic Center Diagnostic Laboratories, Greenwood Genetic Center
Classification: Uncertain significance. Last evaluated: 2023-06-06. Review status: criteria provided, single submitter. Criteria: ACMG Guidelines, 2015. Collection method: clinical testing. Allele origin: germline. Affected: yes.
Comment: BP4

NM_004947.5(DOCK3):c.3801G>A (p.Leu1267=)

Gene: DOCK3 (dedicator of cytokinesis 3; plus strand). Cytogenetic location: 3p21.2.
Variant type: single nucleotide variant.
Coding change: c.3801G>A on transcript NM_004947.5 (MANE Select); coding-DNA position 3801, G replaced by A.
Protein change: p.Leu1267=; no amino-acid change (leucine 1267 retained).
Molecular consequence: synonymous variant.
Genome position (GRCh38, 1-based): chr3:51,341,271, G>A. VCF-style: chr3-51341271-G-A. GRCh37 (hg19) VCF-style: chr3-51378702-G-A.
Identifiers: ClinVar variation 2572259 (VCV002572259.8), dbSNP rs148159031, ClinGen allele CA2421587.